The following is an entry in ClinVar:

NM_001242896.3(DEPDC5):c.2578T>C (p.Phe860Leu)

Gene: DEPDC5 (DEP domain containing 5, GATOR1 subcomplex subunit; plus strand). Cytogenetic location: 22q12.3.
Variant type: single nucleotide variant.
Coding change: c.2578T>C on transcript NM_001242896.3 (MANE Select); coding-DNA position 2578, T replaced by C.
Protein change: p.Phe860Leu; replaces phenylalanine 860 with leucine.
Molecular consequence: missense variant. On other transcripts: non-coding transcript variant (5).
Genome position (GRCh38, 1-based): chr22:31,843,157, T>C. VCF-style: chr22-31843157-T-C. GRCh37 (hg19) VCF-style: chr22-32239143-T-C.
Other names: c.2551T>C, p.Phe851Leu (NM_001136029.4, NM_001369903.1, NM_014662.6); c.2344T>C, p.Phe782Leu (NM_001242897.2, NM_001363854.2, NM_001364319.2); c.2578T>C, p.Phe860Leu (NM_001363852.2, NM_001364318.2, NM_001364320.2); c.2494T>C, p.Phe832Leu (NM_001369901.1, NM_001369902.1); short protein forms F782L, F832L, F851L, F860L.
Identifiers: ClinVar variation 1715911 (VCV001715911.6), dbSNP rs2520089533, ClinGen allele CA411288792.

ClinVar aggregate classification (germline): Uncertain significance. Review status: criteria provided, multiple submitters, no conflicts (2 of 4 stars). 2 submissions from 2 submitters: Uncertain significance (2). Last evaluated 2022-09-12.

Conditions:
Familial focal epilepsy with variable foci (FPEVF). Identifiers: Orphanet 98820, MedGen C1858477, MONDO:0020310.

Submissions (2):

Labcorp Genetics (formerly Invitae), Labcorp
Classification: Uncertain significance for Familial focal epilepsy with variable foci. Last evaluated: 2022-09-12. Review status: criteria provided, single submitter. Criteria: Invitae Variant Classification Sherloc (09022015). Collection method: clinical testing. Allele origin: germline.
Comment: In summary, the available evidence is currently insufficient to determine the role of this variant in disease. Therefore, it has been classified as a Variant of Uncertain Significance. Algorithms developed to predict the effect of missense changes on protein structure and function are either unavailable or do not agree on the potential impact of this missense change (SIFT: "Deleterious"; PolyPhen-2: "Not Available"; Align-GVGD: "Class C15"). This variant has not been reported in the literature in individuals affected with DEPDC5-related conditions. This variant is not present in population databases (gnomAD no frequency). This sequence change replaces phenylalanine, which is neutral and non-polar, with leucine, which is neutral and non-polar, at codon 860 of the DEPDC5 protein (p.Phe860Leu).

Blueprint Genetics
Classification: Uncertain significance. Last evaluated: 2022-02-04. Review status: criteria provided, single submitter. Criteria: ACMG Guidelines, 2015. Collection method: clinical testing. Allele origin: germline.